The following is an entry in ClinVar:

NM_153006.3(NAGS):c.1025del (p.Arg342fs)

Gene: NAGS (N-acetylglutamate synthase; plus strand). Cytogenetic location: 17q21.31.
Variant type: Deletion.
Coding change: c.1025del on transcript NM_153006.3 (MANE Select); coding-DNA position 1025, one base deleted (G; older notation c.1025delG).
Protein change: p.Arg342fs; shifts the reading frame from arginine 342.
Molecular consequence: frameshift variant.
Genome position (GRCh38, 1-based): chr17:44,006,638, G deleted. VCF-style (leftmost placement, unchanged base first): chr17-44006637-CG-C. GRCh37 (hg19) VCF-style: chr17-42084005-CG-C.
Other names: c.1025delG (NM_153006.3); short protein forms R342fs.
Identifiers: ClinVar variation 2427 (VCV000002427.14), dbSNP rs730880266, ClinGen allele CA115542.

ClinVar aggregate classification (germline): Pathogenic. Review status: criteria provided, multiple submitters, no conflicts (2 of 4 stars). 4 submissions from 4 submitters: Pathogenic (3). 1 of the submissions does not count toward it. Last evaluated 2025-02-25.

Conditions:
Inborn genetic diseases. Identifiers: MedGen C0950123, MeSH D030342.
Hyperammonemia, type III (NAGSD). Also called: Hyperammonemia due to N-acetylglutamate synthase deficiency. Identifiers: Orphanet 927, MedGen C0268543, MONDO:0009377, OMIM 237310.

Allele frequency attached by ClinVar (database versions not stated): TOPMed 0.00001; gnomAD 0.00001.

Submissions (4):

Natera, Inc.
Classification: Pathogenic for Hyperammonemia type III. Last evaluated: 2025-02-25. Review status: criteria provided, single submitter. Criteria: Natera Variant Classification Schema (03/2026). Collection method: clinical testing. Allele origin: germline.
Comment: The c.1025delG variant in NAGS is a frameshift variant predicted to shift the reading frame beginning at codon 342 and leads to a stop codon 50 codons downstream. This variant is expected to result in nonsense mediated decay, truncation, or a dysfunctional protein product. This variant is rare in the general population with a frequency below the threshold expected for the associated phenotype(s). This variant has been observed in one or more individuals affected with the associated recessive disease, as either homozygous or compound heterozygous with a second variant (PMID: 12594532). Given the available evidence, this variant is classified as Pathogenic.

Labcorp Genetics (formerly Invitae), Labcorp
Classification: Pathogenic for Hyperammonemia, type III. Last evaluated: 2022-02-04. Review status: criteria provided, single submitter. Criteria: Invitae Variant Classification Sherloc (09022015). Collection method: clinical testing. Allele origin: germline.
Comment: This premature translational stop signal has been observed in individual(s) with N-acetylglutamate synthase deficiency (PMID: 12594532). For these reasons, this variant has been classified as Pathogenic. ClinVar contains an entry for this variant (Variation ID: 2427). This variant is not present in population databases (gnomAD no frequency). This sequence change creates a premature translational stop signal (p.Arg342Profs*50) in the NAGS gene. It is expected to result in an absent or disrupted protein product. Loss-of-function variants in NAGS are known to be pathogenic (PMID: 12594532).

Ambry Genetics
Classification: Pathogenic for Inborn genetic diseases. Last evaluated: 2021-08-18. Review status: criteria provided, single submitter. Criteria: Ambry Variant Classification Scheme 2023. Collection method: clinical testing. Allele origin: germline.
Comment: The c.1025delG (p.R342Pfs*50) alteration, located in exon 4 (coding exon 4) of the NAGS gene, consists of a deletion of one nucleotide at position 1025, causing a translational frameshift with a predicted alternate stop codon after 50 amino acids. This alteration is expected to result in loss of function by premature protein truncation or nonsense-mediated mRNA decay. This variant was not reported in population-based cohorts in the Genome Aggregation Database (gnomAD). This mutation has been reported in the homozygous state in two affected sisters with acute neonatal hyperammonemia (Caldovic, 2003). Based on the available evidence, this alteration is classified as pathogenic.

OMIM
Classification: Pathogenic for N-ACETYLGLUTAMATE SYNTHASE DEFICIENCY. Last evaluated: 2003-04-01. Review status: no assertion criteria provided. Collection method: literature only. Allele origin: germline. Not counted in ClinVar's aggregate classification.

Literature cited by the submitters: PubMed 12594532 (cited by 4 submitters).